The following is an entry in ClinVar:

ClinVar aggregate classification (germline): Uncertain significance. Review status: criteria provided, multiple submitters, no conflicts (2 of 4 stars). 2 submissions from 2 submitters: Uncertain significance (2). Last evaluated 2025-11-03.

Conditions:
Peutz-Jeghers syndrome (PJS). Also called: POLYPOSIS, HAMARTOMATOUS INTESTINAL; POLYPS-AND-SPOTS SYNDROME; Peutz-Jeghers polyposis; Periorificial lentiginosis syndrome. Identifiers: Orphanet 2869, MedGen C0031269, MeSH D010580, MONDO:0008280, OMIM 175200.
Hereditary cancer-predisposing syndrome. Also called: Neoplastic Syndromes, Hereditary; Hereditary neoplastic syndrome; Tumor predisposition; Hereditary Cancer Syndrome. Identifiers: Orphanet 140162, MedGen C0027672, MeSH D009386, MONDO:0015356.

Submissions (2):

Labcorp Genetics (formerly Invitae), Labcorp
Classification: Uncertain significance for Peutz-Jeghers syndrome. Last evaluated: 2025-11-03. Review status: criteria provided, single submitter. Criteria: Invitae Variant Classification Sherloc (09022015). Collection method: clinical testing. Allele origin: germline.
Comment: This sequence change replaces proline, which is neutral and non-polar, with glutamine, which is neutral and polar, at codon 315 of the STK11 protein (p.Pro315Gln). This variant is not present in population databases (gnomAD no frequency). This variant has not been reported in the literature in individuals affected with STK11-related conditions. ClinVar contains an entry for this variant (Variation ID: 3323268). Invitae Evidence Modeling of protein sequence and biophysical properties (such as structural, functional, and spatial information, amino acid conservation, physicochemical variation, residue mobility, and thermodynamic stability) indicates that this missense variant is not expected to disrupt STK11 protein function with a negative predictive value of 95%. In summary, the available evidence is currently insufficient to determine the role of this variant in disease. Therefore, it has been classified as a Variant of Uncertain Significance.

Ambry Genetics
Classification: Uncertain significance for Hereditary cancer-predisposing syndrome. Last evaluated: 2024-05-31. Review status: criteria provided, single submitter. Criteria: Ambry Variant Classification Scheme 2023. Collection method: clinical testing. Allele origin: germline.
Comment: The p.P315Q variant (also known as c.944C>A), located in coding exon 8 of the STK11 gene, results from a C to A substitution at nucleotide position 944. The proline at codon 315 is replaced by glutamine, an amino acid with similar properties. This amino acid position is conserved. In addition, this alteration is predicted to be tolerated by in silico analysis. Based on the available evidence, the clinical significance of this variant remains unclear.

NM_000455.5(STK11):c.944C>A (p.Pro315Gln)

Gene: STK11 (serine/threonine kinase 11; plus strand). Cytogenetic location: 19p13.3.
Variant type: single nucleotide variant.
Coding change: c.944C>A on transcript NM_000455.5 (MANE Select); coding-DNA position 944, C replaced by A.
Protein change: p.Pro315Gln; replaces proline 315 with glutamine.
Molecular consequence: missense variant. On other transcripts: non-coding transcript variant (1).
Genome position (GRCh38, 1-based): chr19:1,223,008, C>A. VCF-style: chr19-1223008-C-A. GRCh37 (hg19) VCF-style: chr19-1223007-C-A.
Other names: c.944C>A, p.Pro315Gln (NM_001407255.1); short protein forms P315Q.
Identifiers: ClinVar variation 3323268 (VCV003323268.3).
Genomic context (GRCh38, chr19:1,223,008, plus strand): 5'-CAGCCTGACAGGCGCCACTGCTTCTGGGCGTTTGCAGCTGGTTCCGGAAGAAACATCCTC[C>A]GGCTGAAGCACCAGTGCCCATCCCACCGAGCCCAGACACCAAGGACCGGTGGCGCAGCAT-3'
Protein context (NP_000446.1, residues 305-325): QHSWFRKKHP[Pro315Gln]AEAPVPIPPS